The following is an entry in ClinVar:

NM_001384140.1(PCDH15):c.4028C>T (p.Pro1343Leu)

Gene: PCDH15 (protocadherin related 15; minus strand). Cytogenetic location: 10q21.1.
Variant type: single nucleotide variant.
Coding change: c.4028C>T on transcript NM_001384140.1 (MANE Select); coding-DNA position 4028, C replaced by T.
Protein change: p.Pro1343Leu; replaces proline 1343 with leucine.
Molecular consequence: missense variant.
Genome position (GRCh38, 1-based): chr10:53,831,489, G>A on the plus strand (C>T on the coding strand, the complement: PCDH15 is on the minus strand). VCF-style: chr10-53831489-G-A. GRCh37 (hg19) VCF-style: chr10-55591249-G-A.
Other names: c.4043C>T, p.Pro1348Leu (NM_001142763.2, NM_001142771.2); c.4028C>T, p.Pro1343Leu (NM_001142764.2, NM_001142766.2, NM_001142770.3 and 4 more transcripts); c.3815C>T, p.Pro1272Leu (NM_001142765.2); c.3917C>T, p.Pro1306Leu (NM_001142767.2); c.3962C>T, p.Pro1321Leu (NM_001142768.2, NM_001142773.2, NM_001354404.2); c.4064C>T, p.Pro1355Leu (NM_001142769.4); c.4049C>T, p.Pro1350Leu (NM_001354411.2); short protein forms P1272L, P1348L, P1355L, P1306L, P1343L, P1350L, P1321L.
Identifiers: ClinVar variation 2328044 (VCV002328044.5), dbSNP rs1228182696, ClinGen allele CA376528528.

ClinVar aggregate classification (germline): Uncertain significance. Review status: criteria provided, multiple submitters, no conflicts (2 of 4 stars). 3 submissions from 3 submitters: Uncertain significance (3). Last evaluated 2026-04-22.

Conditions:
Inborn genetic diseases. Identifiers: MedGen C0950123, MeSH D030342.
PCDH15-related disorder. Also called: PCDH15-related disorders; PCDH15-related condition.

gnomAD v4.1: 12 of 1,613,930 alleles (0.00074%); highest among the groups gnomAD compares: Middle Eastern, 0.017%; no homozygotes.

Submissions (3):

Ambry Genetics
Classification: Uncertain significance for Inborn genetic diseases. Last evaluated: 2026-04-22. Review status: criteria provided, single submitter. Criteria: Ambry Variant Classification Scheme 2023. Collection method: clinical testing. Allele origin: germline.
Comment: The c.4028C>T (p.P1343L) alteration is located in exon 30 (coding exon 29) of the PCDH15 gene. This alteration results from a C to T substitution at nucleotide position 4028, causing the proline (P) at amino acid position 1343 to be replaced by a leucine (L). Based on data from gnomAD, the T allele has an overall frequency of 0.001% (3/251422) total alleles studied. The highest observed frequency was 0.007% (2/30616) of South Asian alleles. Based on insufficient or conflicting evidence, the clinical significance of this alteration remains unclear.

PreventionGenetics, part of Exact Sciences
Classification: Uncertain significance for PCDH15-related condition. Last evaluated: 2026-03-28. Review status: criteria provided, single submitter. Criteria: ACMG Guidelines, 2015. Collection method: clinical testing. Allele origin: germline.
Comment: The PCDH15 c.4028C>T variant is predicted to result in the amino acid substitution p.Pro1343Leu. To our knowledge, this variant has not been reported in the literature. This variant is reported in 0.0065% of alleles in individuals of South Asian descent in gnomAD. At this time, the clinical significance of this variant is uncertain due to the absence of conclusive functional and genetic evidence.

GeneDx
Classification: Uncertain significance. Last evaluated: 2025-03-02. Review status: criteria provided, single submitter. Criteria: GeneDx Variant Classification Process June 2021. Collection method: clinical testing. Allele origin: germline. Affected: yes.
Comment: Not observed at significant frequency in large population cohorts (gnomAD); In silico analysis supports that this missense variant has a deleterious effect on protein structure/function; Has not been previously published as pathogenic or benign to our knowledge